The following is an entry in ClinVar:

ClinVar aggregate classification (germline): Pathogenic (1 of 4 stars; one submission).

Conditions:
Multiple sulfatase deficiency (MSD). Also called: Mucosulfatidosis; Multiple Sulfatase Deficiency Disease; Sulfatidosis, Juvenile, Austin Type. Identifiers: Orphanet 585, MedGen C0268263, MONDO:0010088, OMIM 272200.

Submission:

Labcorp Genetics (formerly Invitae), Labcorp
Classification: Pathogenic for Multiple sulfatase deficiency. Last evaluated: 2022-04-14. Review status: criteria provided, single submitter. Criteria: Invitae Variant Classification Sherloc (09022015). Collection method: clinical testing. Allele origin: germline.
Comment: This variant is a gross deletion of the genomic region encompassing exon(s) 4 of the SUMF1 gene. This deletion is out-of-frame, and is expected to create a premature termination codon and result in an absent or disrupted protein product. Loss-of-function variants in SUMF1 are known to be pathogenic (PMID: 12757705, 12757706, 25885655). This variant has not been reported in the literature in individuals affected with SUMF1-related conditions. For these reasons, this variant has been classified as Pathogenic.

Literature cited by the submitters: PubMed 12757705; PubMed 12757706; PubMed 25885655.

NC_000003.11:g.(?_4461738)_(4461840_?)del

Gene: SUMF1 (sulfatase modifying factor 1; minus strand). Cytogenetic location: 3p26.1.
Variant type: Deletion.
Identifiers: ClinVar variation 1457189 (VCV001457189.5).